The following is an entry in ClinVar:

ClinVar aggregate classification (germline): Uncertain significance. Review status: criteria provided, multiple submitters, no conflicts (2 of 4 stars). 3 submissions from 3 submitters: Uncertain significance (3). Last evaluated 2025-10-28.

Conditions:
Hereditary nonpolyposis colorectal neoplasms. Identifiers: MedGen C0009405, MeSH D003123.
Hereditary cancer-predisposing syndrome. Also called: Tumor predisposition; Neoplastic Syndromes, Hereditary; Hereditary neoplastic syndrome; Hereditary Cancer Syndrome. Identifiers: Orphanet 140162, MedGen C0027672, MeSH D009386, MONDO:0015356.

Allele frequency attached by ClinVar (database versions not stated): ESP Exome Variant Server 0.00008.

Submissions (3):

Labcorp Genetics (formerly Invitae), Labcorp
Classification: Uncertain significance for Hereditary nonpolyposis colorectal neoplasms. Last evaluated: 2025-10-28. Review status: criteria provided, single submitter. Criteria: Invitae Variant Classification Sherloc (09022015). Collection method: clinical testing. Allele origin: germline.
Comment: This sequence change replaces cysteine, which is neutral and slightly polar, with arginine, which is basic and polar, at codon 216 of the PMS2 protein (p.Cys216Arg). This variant is not present in population databases (gnomAD no frequency). This variant has not been reported in the literature in individuals affected with PMS2-related conditions. ClinVar contains an entry for this variant (Variation ID: 849508). Invitae Evidence Modeling incorporating data from in vitro experimental studies (internal data) indicates that this missense variant is not expected to disrupt PMS2 function with a negative predictive value of 95%. In summary, the available evidence is currently insufficient to determine the role of this variant in disease. Therefore, it has been classified as a Variant of Uncertain Significance.

Quest Diagnostics Nichols Institute San Juan Capistrano
Classification: Uncertain significance. Last evaluated: 2023-12-04. Review status: criteria provided, single submitter. Criteria: Quest Diagnostics criteria. Collection method: clinical testing. Allele origin: unknown.
Comment: The PMS2 c.646T>C (p.Cys216Arg) variant has not been reported in individuals with PMS2-related conditions in the published literature. It also has not been reported in large, multi-ethnic general populations (Genome Aggregation Database). Analysis of this variant using bioinformatics tools for the prediction of the effect of amino acid changes on protein structure and function yielded predictions that this variant is benign. Based on the available information, we are unable to determine the clinical significance of this variant.

Ambry Genetics
Classification: Uncertain significance for Hereditary cancer-predisposing syndrome. Last evaluated: 2022-06-20. Review status: criteria provided, single submitter. Criteria: Ambry Variant Classification Scheme 2023. Collection method: clinical testing. Allele origin: germline.
Comment: The p.C216R variant (also known as c.646T>C), located in coding exon 6 of the PMS2 gene, results from a T to C substitution at nucleotide position 646. The cysteine at codon 216 is replaced by arginine, an amino acid with highly dissimilar properties. This amino acid position is conserved. In addition, this alteration is predicted to be tolerated by in silico analysis. Since supporting evidence is limited at this time, the clinical significance of this alteration remains unclear.

NM_000535.7(PMS2):c.646T>C (p.Cys216Arg)

Gene: PMS2 (PMS1 homolog 2, mismatch repair system component; minus strand). Cytogenetic location: 7p22.1.
Variant type: single nucleotide variant.
Coding change: c.646T>C on transcript NM_000535.7 (MANE Select); coding-DNA position 646, T replaced by C.
Protein change: p.Cys216Arg; replaces cysteine 216 with arginine.
Molecular consequence: missense variant. On other transcripts: 5 prime UTR variant (2), non-coding transcript variant (1), intron variant (1).
Genome position (GRCh38, 1-based): chr7:5,999,167, A>G on the plus strand (T>C on the coding strand, the complement: PMS2 is on the minus strand). VCF-style: chr7-5999167-A-G. GRCh37 (hg19) VCF-style: chr7-6038798-A-G.
Other names: c.241T>C, p.Cys81Arg (NM_001322003.2, NM_001322004.2, NM_001322005.2 and 2 more transcripts); c.646T>C, p.Cys216Arg (NM_001322006.2, NM_001322014.2); c.328T>C, p.Cys110Arg (NM_001322007.2, NM_001322008.2); c.-288T>C (NM_001322011.2, NM_001322012.2); c.337T>C, p.Cys113Arg (NM_001322015.2); c.133-1744T>C (NM_001322013.2); c.646T>C (NM_000535.6); short protein forms C110R, C216R, C81R, C113R.
Identifiers: ClinVar variation 849508 (VCV000849508.12), dbSNP rs371402182, ClinGen allele CA153241843.
Genomic context (GRCh38, chr7:5,999,167, plus strand): 5'-CCTGCTTCTGCCCAAACACAGAGCCGATATTTTCCTTTATGCTGGGGCTTCCACCTGTGC[A>G]TACCACAGGCTGTCGTTTTCCTTGTCCAAGCTGATTGGTGCAACTTACACGGATGCCTGC-3'
Protein context (NP_000526.2, residues 206-226): LGQGKRQPVV[Cys216Arg]TGGSPSIKEN